The following is an entry in ClinVar:

ClinVar aggregate classification (germline): Pathogenic. Review status: criteria provided, multiple submitters, no conflicts (2 of 4 stars). 8 submissions from 8 submitters: Pathogenic (6). 2 of the submissions do not count toward it. Last evaluated 2025-12-22.

Conditions:
CHM-related disorders.
Choroideremia. Also called: Chorioretinal scalloped atrophy. Identifiers: Orphanet 180, MedGen C0008525, MONDO:0010557, OMIM 303100, HP:0001139.

Submissions (8):

Labcorp Genetics (formerly Invitae), Labcorp
Classification: Pathogenic. Last evaluated: 2025-12-22. Review status: criteria provided, single submitter. Criteria: Invitae Variant Classification Sherloc (09022015). Collection method: clinical testing. Allele origin: germline.
Comment: This sequence change creates a premature translational stop signal (p.Val529Hisfs*7) in the CHM gene. It is expected to result in an absent or disrupted protein product. Loss-of-function variants in CHM are known to be pathogenic (PMID: 9067750, 23811034). This variant is not present in population databases (gnomAD no frequency). This premature translational stop signal has been observed in individual(s) with clinical features of choroideremia (PMID: 25912515, 30541579, 31181178). ClinVar contains an entry for this variant (Variation ID: 11152). For these reasons, this variant has been classified as Pathogenic.

3billion
Classification: Pathogenic for Choroideremia. Last evaluated: 2025-04-14. Review status: criteria provided, single submitter. Criteria: ACMG Guidelines, 2015. Collection method: clinical testing. Allele origin: germline. Affected: yes.
Comment: The variant is observed at an extremely low frequency in the gnomAD v4.1.0 dataset (total allele frequency: <0.001%). Predicted Consequence/Location: Frameshift: predicted to result in a loss or disruption of normal protein function through nonsense-mediated decay (NMD) or protein truncation. Multiple pathogenic variants are reported downstream of the variant. The variant has been reported at least twice as pathogenic with clinical assertions and evidence for the classification (ClinVar ID: VCV000011152 / PMID: 8242078). Therefore, this variant is classified as Pathogenic according to the recommendation of ACMG/AMP guideline.

Natera, Inc.
Classification: Pathogenic for Choroideremia. Last evaluated: 2024-11-06. Review status: criteria provided, single submitter. Criteria: Natera Variant Classification Schema (03/2026). Collection method: clinical testing. Allele origin: germline.
Comment: The c.1584_1587delTGTT variant in CHM is a frameshift variant predicted to shift the reading frame beginning at codon 529 and leads to a stop codon 7 codons downstream. This variant is expected to result in nonsense mediated decay, truncation, or a dysfunctional protein product. This variant is rare in the general population with a frequency below the threshold expected for the associated phenotype(s). This variant has been observed in affected individual(s) with monoallelic occurrence (heterozygous/hemizygous) (PMID: 25912515). Given the available evidence, this variant is classified as Pathogenic.

GeneDx
Classification: Pathogenic. Last evaluated: 2023-05-26. Review status: criteria provided, single submitter. Criteria: GeneDx Variant Classification Process June 2021. Collection method: clinical testing. Allele origin: germline. Affected: yes.
Comment: Frameshift variant predicted to result in protein truncation or nonsense mediated decay in a gene for which loss-of-function is a known mechanism of disease; Not observed at significant frequency in large population cohorts (gnomAD); This variant is associated with the following publications: (PMID: 31922496, 18087237, 1598901, 25912515, 28752371, 30541579, 27739455, 31097864, 35040292, 33573424, 27936069, 24913019, 12203991, 33110609, 8242078)

Blueprint Genetics
Classification: Pathogenic for CHM-related disorders. Last evaluated: 2022-06-29. Review status: criteria provided, single submitter. Criteria: ACMG Guidelines, 2015. Collection method: clinical testing. Allele origin: germline. Affected: yes. Observed: 5 variant alleles.

Victorian Clinical Genetics Services, Murdoch Childrens Research Institute
Classification: Pathogenic for Choroideremia. Last evaluated: 2022-02-02. Review status: criteria provided, single submitter. Criteria: ACMG Guidelines, 2015. Collection method: clinical testing. Allele origin: germline. Inheritance: X-linked dominant inheritance.
Comment: Based on the classification scheme VCGS_Germline_v1.3.4, this variant is classified as a Pathogenic. Following criteria are met: 0102 - Loss of function is a known mechanism of disease in this gene and is associated with Choroideremia (MIM# 303100). (I) 0110 - This gene is associated with X-linked disease. Males are predominantly affected, while females are usually unaffected some may display symptoms similar to affected males due to random X-inactivation (PMID: 29555028). (I) 0201 - Variant is predicted to cause nonsense-mediated decay (NMD) and loss of protein (premature termination codon is located at least 54 nucleotides upstream of the final exon-exon junction). (SP) 0251 - This variant is heterozygous. (I) 0302 - Variant is present in gnomAD (v3) <0.001 for a dominant condition (1 heterozygote, 0 homozygotes, hemizygotes). (SP) 0701 - Other NMD-predicted variants comparable to the one identified in this case have very strong previous evidence for pathogenicity (ClinVar). (SP) 0801 - This variant has strong previous evidence of pathogenicity in unrelated individuals. This variant has been reported in multiple individuals with choroideremia (ClinVar, PMID: 27739455, 33110609). (SP) 1208 - Inheritance information for this variant is not currently available in this individual. (I) Legend: (SP) - Supporting pathogenic, (I) - Information, (SB) - Supporting benign

OMIM
Classification: Pathogenic for CHOROIDEREMIA. Last evaluated: 2014-08-01. Review status: no assertion criteria provided. Collection method: literature only. Allele origin: germline. Not counted in ClinVar's aggregate classification.

GeneReviews
No classification provided. Condition: Choroideremia. Review status: no classification provided. Collection method: literature only. Allele origin: germline. Not counted in ClinVar's aggregate classification.

Literature cited by the submitters: PubMed 9067750 (cited by Labcorp Genetics (formerly Invitae), Labcorp); PubMed 23811034 (cited by Labcorp Genetics (formerly Invitae), Labcorp); PubMed 25912515 (cited by Labcorp Genetics (formerly Invitae), Labcorp and Natera, Inc.); PubMed 30541579 (cited by Labcorp Genetics (formerly Invitae), Labcorp); PubMed 31181178 (cited by Labcorp Genetics (formerly Invitae), Labcorp); PubMed 8242078 (cited by 3billion and OMIM); PubMed 27739455 (cited by Victorian Clinical Genetics Services, Murdoch Childrens Research Institute); PubMed 29555028 (cited by Victorian Clinical Genetics Services, Murdoch Childrens Research Institute); PubMed 33110609 (cited by Victorian Clinical Genetics Services, Murdoch Childrens Research Institute); PubMed 1598901 (cited by OMIM); PubMed 9175730 (cited by OMIM); PubMed 8477262 (cited by OMIM); PubMed 24913019 (cited by OMIM and GeneReviews).

NM_000390.4(CHM):c.1584_1587del (p.Val529fs)

Gene: CHM (CHM Rab escort protein; minus strand). Cytogenetic location: Xq21.2.
Variant type: Microsatellite.
Coding change: c.1584_1587del on transcript NM_000390.4 (MANE Select); coding-DNA positions 1584 to 1587, 4 bases deleted (TGTT; older notation c.1584_1587delTGTT).
Protein change: p.Val529fs; shifts the reading frame from valine 529.
Molecular consequence: frameshift variant.
Genome position (GRCh38, 1-based): chrX:85,878,987-85,878,990, AACA deleted on the plus strand (TGTT on the coding strand, the reverse complement: CHM is on the minus strand); deleting any 4 consecutive bases within chrX:85,878,987-85,878,995 gives the same sequence; the c. name uses the placement nearest the transcript's 3' end. VCF-style (leftmost placement, unchanged base first): chrX-85878986-GAACA-G. GRCh37 (hg19) VCF-style: chrX-85133991-GAACA-G.
Other names: c.1140_1143del, p.Val381fs (NM_001320959.1, NM_001362517.1, NM_001362518.2 and 1 more transcripts); c.1580_1583delTGTT (NM_000390.4); c.1584_1587delTGTT (NM_000390.3, NM_000390.2); short protein forms V529fs, V381fs.
Identifiers: ClinVar variation 11152 (VCV000011152.18), dbSNP rs587776746, ClinGen allele CA255739.